The following is an entry in ClinVar:

ClinVar aggregate classification (germline): Uncertain significance (1 of 4 stars; one submission).

Submission:

Labcorp Genetics (formerly Invitae), Labcorp
Classification: Uncertain significance. Last evaluated: 2021-02-17. Review status: criteria provided, single submitter. Criteria: Invitae Variant Classification Sherloc (09022015). Collection method: clinical testing. Allele origin: germline.
Comment: In summary, the available evidence is currently insufficient to determine the role of this variant in disease. Therefore, it has been classified as a Variant of Uncertain Significance. Algorithms developed to predict the effect of missense changes on protein structure and function are either unavailable or do not agree on the potential impact of this missense change (SIFT: "Tolerated"; PolyPhen-2: "Possibly Damaging"; Align-GVGD: "Class C0"). This variant has not been reported in the literature in individuals with RTN4IP1-related conditions. This variant is not present in population databases (ExAC no frequency). This sequence change replaces aspartic acid with alanine at codon 351 of the RTN4IP1 protein (p.Asp351Ala). The aspartic acid residue is moderately conserved and there is a moderate physicochemical difference between aspartic acid and alanine.

NM_032730.5(RTN4IP1):c.1052A>C (p.Asp351Ala)

Gene: RTN4IP1 (reticulon 4 interacting protein 1; minus strand). Cytogenetic location: 6q21.
Variant type: single nucleotide variant.
Coding change: c.1052A>C on transcript NM_032730.5 (MANE Select); coding-DNA position 1052, A replaced by C.
Protein change: p.Asp351Ala; replaces aspartic acid 351 with alanine.
Molecular consequence: missense variant.
Genome position (GRCh38, 1-based): chr6:106,583,359, T>G on the plus strand (A>C on the coding strand, the complement: RTN4IP1 is on the minus strand). VCF-style: chr6-106583359-T-G. GRCh37 (hg19) VCF-style: chr6-107031234-T-G.
Other names: c.752A>C, p.Asp251Ala (NM_001318746.1); short protein forms D351A, D251A.
Identifiers: ClinVar variation 1487003 (VCV001487003.8), dbSNP rs2114628772, ClinGen allele CA365150292.